The following is an entry in ClinVar:

ClinVar aggregate classification (germline): Uncertain significance. Review status: criteria provided, multiple submitters, no conflicts (2 of 4 stars). 2 submissions from 2 submitters: Uncertain significance (2). Last evaluated 2024-02-28.

Conditions:
Hereditary spastic paraplegia 73. Also called: Spastic paraplegia 73, autosomal dominant. Identifiers: Orphanet 444099, MedGen C5568981, MONDO:0014568, OMIM 616282.

Allele frequency attached by ClinVar (database versions not stated): gnomAD 0.00005; TOPMed 0.00006; ExAC 0.00008.

Submissions (2):

Ambry Genetics
Classification: Uncertain significance. Last evaluated: 2024-02-28. Review status: criteria provided, single submitter. Criteria: Ambry Variant Classification Scheme 2023. Collection method: clinical testing. Allele origin: germline.

Labcorp Genetics (formerly Invitae), Labcorp
Classification: Uncertain significance for Hereditary spastic paraplegia 73. Last evaluated: 2023-11-02. Review status: criteria provided, single submitter. Criteria: Invitae Variant Classification Sherloc (09022015). Collection method: clinical testing. Allele origin: germline.
Comment: This sequence change replaces arginine, which is basic and polar, with histidine, which is basic and polar, at codon 274 of the CPT1C protein (p.Arg274His). This variant is present in population databases (rs763094054, gnomAD 0.03%). This variant has not been reported in the literature in individuals affected with CPT1C-related conditions. ClinVar contains an entry for this variant (Variation ID: 1934430). Advanced modeling of protein sequence and biophysical properties (such as structural, functional, and spatial information, amino acid conservation, physicochemical variation, residue mobility, and thermodynamic stability) performed at Invitae indicates that this missense variant is not expected to disrupt CPT1C protein function with a negative predictive value of 80%. In summary, the available evidence is currently insufficient to determine the role of this variant in disease. Therefore, it has been classified as a Variant of Uncertain Significance.

NM_001199753.2(CPT1C):c.854G>A (p.Arg285His)

Gene: CPT1C (carnitine palmitoyltransferase 1C; plus strand). Cytogenetic location: 19q13.33.
Variant type: single nucleotide variant.
Coding change: c.854G>A on transcript NM_001199753.2 (MANE Select); coding-DNA position 854, G replaced by A.
Protein change: p.Arg285His; replaces arginine 285 with histidine.
Molecular consequence: missense variant. On other transcripts: non-coding transcript variant (1).
Genome position (GRCh38, 1-based): chr19:49,705,089, G>A. VCF-style: chr19-49705089-G-A. GRCh37 (hg19) VCF-style: chr19-50208346-G-A.
Other names: c.821G>A, p.Arg274His (NM_001136052.3, NM_001378482.1, NM_001378485.1 and 1 more transcripts); c.854G>A, p.Arg285His (NM_001199752.3, NM_001378483.1, NM_001378484.1 and 3 more transcripts); c.854G>A (NM_001199752.1); short protein forms R285H, R274H.
Identifiers: ClinVar variation 1934430 (VCV001934430.6), dbSNP rs763094054, ClinGen allele CA9581979.